The following is an entry in ClinVar:

ClinVar aggregate classification (germline): Uncertain significance. Review status: criteria provided, multiple submitters, no conflicts (2 of 4 stars). 2 submissions from 2 submitters: Uncertain significance (2). Last evaluated 2024-03-14.

Conditions:
Hereditary cancer-predisposing syndrome. Also called: Neoplastic Syndromes, Hereditary; Hereditary Cancer Syndrome; Tumor predisposition; Hereditary neoplastic syndrome. Identifiers: Orphanet 140162, MedGen C0027672, MeSH D009386, MONDO:0015356.
Multiple endocrine neoplasia, type 2 (MEN2). Identifiers: Orphanet 653, MedGen C4048306, MONDO:0019003. Disease mechanism: gain of function.

gnomAD v4.1: 1 of 1,614,192 alleles (0.000062%); highest among the groups gnomAD compares: East Asian, 0.0022%; no homozygotes.

Submissions (2):

Labcorp Genetics (formerly Invitae), Labcorp
Classification: Uncertain significance for Multiple endocrine neoplasia, type 2. Last evaluated: 2024-03-14. Review status: criteria provided, single submitter. Criteria: Invitae Variant Classification Sherloc (09022015). Collection method: clinical testing. Allele origin: germline.
Comment: This sequence change replaces aspartic acid, which is acidic and polar, with asparagine, which is neutral and polar, at codon 1066 of the RET protein (p.Asp1066Asn). This variant is present in population databases (rs180700967, gnomAD 0.006%). This variant has not been reported in the literature in individuals affected with RET-related conditions. ClinVar contains an entry for this variant (Variation ID: 1039531). An algorithm developed to predict the effect of missense changes on protein structure and function (PolyPhen-2) suggests that this variant is likely to be tolerated. In summary, the available evidence is currently insufficient to determine the role of this variant in disease. Therefore, it has been classified as a Variant of Uncertain Significance.

Ambry Genetics
Classification: Uncertain significance for Hereditary cancer-predisposing syndrome. Last evaluated: 2022-06-22. Review status: criteria provided, single submitter. Criteria: Ambry Variant Classification Scheme 2023. Collection method: clinical testing. Allele origin: germline.
Comment: The p.D1066N variant (also known as c.3196G>A), located in coding exon 20 of the RET gene, results from a G to A substitution at nucleotide position 3196. The aspartic acid at codon 1066 is replaced by asparagine, an amino acid with highly similar properties. This amino acid position is conserved. In addition, this alteration is predicted to be tolerated by in silico analysis. Since supporting evidence is limited at this time, the clinical significance of this alteration remains unclear.

NM_020975.6(RET):c.3196G>A (p.Asp1066Asn)

Gene: RET (ret proto-oncogene; plus strand). Cytogenetic location: 10q11.21.
Variant type: single nucleotide variant.
Coding change: c.3196G>A on transcript NM_020975.6 (MANE Select); coding-DNA position 3196, G replaced by A.
Protein change: p.Asp1066Asn; replaces aspartic acid 1066 with asparagine.
Molecular consequence: missense variant.
Genome position (GRCh38, 1-based): chr10:43,128,120, G>A. VCF-style: chr10-43128120-G-A. GRCh37 (hg19) VCF-style: chr10-43623568-G-A.
Other names: short protein forms D1066N.
Identifiers: ClinVar variation 1039531 (VCV001039531.11), dbSNP rs180700967, ClinGen allele CA054742.